The following is an entry in ClinVar:

ClinVar aggregate classification (germline): Uncertain significance (1 of 4 stars; one submission).

Conditions:
Kabuki syndrome. Also called: Kabuki make-up syndrome; NIIKAWA-KUROKI SYNDROME. Identifiers: Orphanet 2322, MedGen C0796004, MONDO:0016512.

Submission:

Labcorp Genetics (formerly Invitae), Labcorp
Classification: Uncertain significance for Kabuki syndrome. Last evaluated: 2024-07-29. Review status: criteria provided, single submitter. Criteria: Invitae Variant Classification Sherloc (09022015). Collection method: clinical testing. Allele origin: germline.
Comment: This sequence change replaces phenylalanine, which is neutral and non-polar, with leucine, which is neutral and non-polar, at codon 3556 of the KMT2D protein (p.Phe3556Leu). This variant is not present in population databases (gnomAD no frequency). This variant has not been reported in the literature in individuals affected with KMT2D-related conditions. ClinVar contains an entry for this variant (Variation ID: 1901916). Advanced modeling of protein sequence and biophysical properties (such as structural, functional, and spatial information, amino acid conservation, physicochemical variation, residue mobility, and thermodynamic stability) performed at Invitae indicates that this missense variant is not expected to disrupt KMT2D protein function with a negative predictive value of 95%. In summary, the available evidence is currently insufficient to determine the role of this variant in disease. Therefore, it has been classified as a Variant of Uncertain Significance.

NM_003482.4(KMT2D):c.10666T>C (p.Phe3556Leu)

Gene: KMT2D (lysine methyltransferase 2D; minus strand). Cytogenetic location: 12q13.12.
Variant type: single nucleotide variant.
Coding change: c.10666T>C on transcript NM_003482.4 (MANE Select); coding-DNA position 10666, T replaced by C.
Protein change: p.Phe3556Leu; replaces phenylalanine 3556 with leucine.
Molecular consequence: missense variant.
Genome position (GRCh38, 1-based): chr12:49,034,141, A>G on the plus strand (T>C on the coding strand, the complement: KMT2D is on the minus strand). VCF-style: chr12-49034141-A-G. GRCh37 (hg19) VCF-style: chr12-49427924-A-G.
Other names: short protein forms F3556L.
Identifiers: ClinVar variation 1901916 (VCV001901916.5), dbSNP rs368591969, ClinGen allele CA236641497.